The following is an entry in ClinVar:

NM_003072.5(SMARCA4):c.4897G>A (p.Glu1633Lys)

Gene: SMARCA4 (SWI/SNF related BAF chromatin remodeling complex subunit ATPase 4; plus strand). Cytogenetic location: 19p13.2.
Variant type: single nucleotide variant.
Coding change: c.4897G>A on transcript NM_003072.5 (MANE Select); coding-DNA position 4897, G replaced by A.
Protein change: p.Glu1633Lys; replaces glutamic acid 1633 with lysine.
Molecular consequence: missense variant. On other transcripts: non-coding transcript variant (1).
Genome position (GRCh38, 1-based): chr19:11,060,173, G>A. VCF-style: chr19-11060173-G-A. GRCh37 (hg19) VCF-style: chr19-11170849-G-A.
Other names: c.4897G>A, p.Glu1633Lys (NM_001128844.3); c.4807G>A, p.Glu1603Lys (NM_001128845.2); c.4804G>A, p.Glu1602Lys (NM_001128846.2); c.4798G>A, p.Glu1600Lys (NM_001128847.4, NM_001374457.1); c.4795G>A, p.Glu1599Lys (NM_001128848.2); c.4993G>A, p.Glu1665Lys (NM_001128849.3); short protein forms E1600K, E1602K, E1633K, E1599K, E1665K, E1603K.
Identifiers: ClinVar variation 971864 (VCV000971864.9), dbSNP rs2076782634, ClinGen allele CA404080964.

ClinVar aggregate classification (germline): Uncertain significance (1 of 4 stars; one submission).

Conditions:
Rhabdoid tumor predisposition syndrome 2 (RTPS2). Identifiers: Orphanet 231108, Orphanet 69077, MedGen C2750074, MONDO:0013224, OMIM 613325.

gnomAD v4.1: 1 of 1,551,080 alleles (0.000064%); highest among the groups gnomAD compares: Non-Finnish European, 0.000087%; no homozygotes.

Submission:

Labcorp Genetics (formerly Invitae), Labcorp
Classification: Uncertain significance for Rhabdoid tumor predisposition syndrome 2. Last evaluated: 2019-10-15. Review status: criteria provided, single submitter. Criteria: Invitae Variant Classification Sherloc (09022015). Collection method: clinical testing. Allele origin: germline.
Comment: This variant is not present in population databases (ExAC no frequency). This sequence change replaces glutamic acid with lysine at codon 1665 of the SMARCA4 protein (p.Glu1665Lys). The glutamic acid residue is highly conserved and there is a small physicochemical difference between glutamic acid and lysine. This variant has not been reported in the literature in individuals with SMARCA4-related conditions. In summary, the available evidence is currently insufficient to determine the role of this variant in disease. Therefore, it has been classified as a Variant of Uncertain Significance.